The following is an entry in ClinVar:

NM_001365999.1(SZT2):c.2074C>T (p.Arg692Cys)

Gene: SZT2 (SZT2 subunit of KICSTOR complex; plus strand). Cytogenetic location: 1p34.2.
Variant type: single nucleotide variant.
Coding change: c.2074C>T on transcript NM_001365999.1 (MANE Select); coding-DNA position 2074, C replaced by T.
Protein change: p.Arg692Cys; replaces arginine 692 with cysteine.
Molecular consequence: missense variant.
Genome position (GRCh38, 1-based): chr1:43,423,135, C>T. VCF-style: chr1-43423135-C-T. GRCh37 (hg19) VCF-style: chr1-43888806-C-T.
Other names: c.2074C>T, p.Arg692Cys (NM_015284.4); short protein forms R692C.
Identifiers: ClinVar variation 1046236 (VCV001046236.6), dbSNP rs1249245614, ClinGen allele CA340010979.

ClinVar aggregate classification (germline): Uncertain significance. Review status: criteria provided, multiple submitters, no conflicts (2 of 4 stars). 3 submissions from 3 submitters: Uncertain significance (3). Last evaluated 2023-04-11.

Conditions:
Developmental and epileptic encephalopathy, 18 (DEE18). Also called: Early infantile epileptic encephalopathy 18. Identifiers: Orphanet 369894, MedGen C3809624, MONDO:0014201, OMIM 615476.
Inborn genetic diseases. Identifiers: MedGen C0950123, MeSH D030342.

Allele frequency attached by ClinVar (database versions not stated): gnomAD exomes below 0.00001 and 0.00001; gnomAD 0.00002 and 0.00003; TOPMed 0.00004.
gnomAD v4.1: 14 of 1,595,986 alleles (0.00088%); highest among the groups gnomAD compares: Middle Eastern, 0.016%; no homozygotes.

Submissions (3):

Genome-Nilou Lab
Classification: Uncertain significance for Developmental and epileptic encephalopathy, 18. Last evaluated: 2023-04-11. Review status: criteria provided, single submitter. Criteria: ACMG Guidelines, 2015. Collection method: clinical testing. Allele origin: germline. Affected: no.

Labcorp Genetics (formerly Invitae), Labcorp
Classification: Uncertain significance. Last evaluated: 2022-03-19. Review status: criteria provided, single submitter. Criteria: Invitae Variant Classification Sherloc (09022015). Collection method: clinical testing. Allele origin: germline.
Comment: This sequence change replaces arginine, which is basic and polar, with cysteine, which is neutral and slightly polar, at codon 692 of the SZT2 protein (p.Arg692Cys). The frequency data for this variant in the population databases is considered unreliable, as metrics indicate poor data quality at this position in the gnomAD database. This variant has not been reported in the literature in individuals affected with SZT2-related conditions. ClinVar contains an entry for this variant (Variation ID: 1046236). Algorithms developed to predict the effect of missense changes on protein structure and function are either unavailable or do not agree on the potential impact of this missense change (SIFT: "Deleterious"; PolyPhen-2: "Probably Damaging"; Align-GVGD: "Class C0"). In summary, the available evidence is currently insufficient to determine the role of this variant in disease. Therefore, it has been classified as a Variant of Uncertain Significance.

Ambry Genetics
Classification: Uncertain significance for Inborn genetic diseases. Last evaluated: 2019-08-26. Review status: criteria provided, single submitter. Criteria: Ambry Variant Classification Scheme 2023. Collection method: clinical testing. Allele origin: germline.
Comment: The p.R692C variant (also known as c.2074C>T), located in coding exon 15 of the SZT2 gene, results from a C to T substitution at nucleotide position 2074. The arginine at codon 692 is replaced by cysteine, an amino acid with highly dissimilar properties. This amino acid position is highly conserved in available vertebrate species. In addition, the in silico prediction for this alteration is inconclusive. Since supporting evidence is limited at this time, the clinical significance of this alteration remains unclear.